The following is an entry in ClinVar:

NM_001211.6(BUB1B):c.626A>C (p.Glu209Ala)

Gene: BUB1B (BUB1 mitotic checkpoint serine/threonine kinase B; plus strand). Cytogenetic location: 15q15.1.
Variant type: single nucleotide variant.
Coding change: c.626A>C on transcript NM_001211.6 (MANE Select); coding-DNA position 626, A replaced by C.
Protein change: p.Glu209Ala; replaces glutamic acid 209 with alanine.
Molecular consequence: missense variant.
Genome position (GRCh38, 1-based): chr15:40,183,758, A>C. VCF-style: chr15-40183758-A-C. GRCh37 (hg19) VCF-style: chr15-40475959-A-C.
Other names: short protein forms E209A.
Identifiers: ClinVar variation 1752530 (VCV001752530.2), dbSNP rs2542533362, ClinGen allele CA391683224.

ClinVar aggregate classification (germline): Uncertain significance (1 of 4 stars; one submission).

Conditions:
Inborn genetic diseases. Identifiers: MedGen C0950123, MeSH D030342.

Submission:

Ambry Genetics
Classification: Uncertain significance for Inborn genetic diseases. Last evaluated: 2022-03-16. Review status: criteria provided, single submitter. Criteria: Ambry Variant Classification Scheme 2023. Collection method: clinical testing. Allele origin: germline.
Comment: The p.E209A variant (also known as c.626A>C), located in coding exon 6 of the BUB1B gene, results from an A to C substitution at nucleotide position 626. The glutamic acid at codon 209 is replaced by alanine, an amino acid with dissimilar properties. This amino acid position is conserved. In addition, this alteration is predicted to be tolerated by in silico analysis. Since supporting evidence is limited at this time, the clinical significance of this alteration remains unclear.